The following is an entry in ClinVar:

NM_004960.4(FUS):c.543A>G (p.Gln181=)

Gene: FUS (FUS RNA binding protein; plus strand). Cytogenetic location: 16p11.2.
Variant type: single nucleotide variant.
Coding change: c.543A>G on transcript NM_004960.4 (MANE Select); coding-DNA position 543, A replaced by G.
Protein change: p.Gln181=; no amino-acid change (glutamine 181 retained).
Molecular consequence: synonymous variant. On other transcripts: non-coding transcript variant (1).
Genome position (GRCh38, 1-based): chr16:31,184,958, A>G. VCF-style: chr16-31184958-A-G. GRCh37 (hg19) VCF-style: chr16-31196279-A-G.
Other names: c.540A>G, p.Gln180= (NM_001170634.1); c.531A>G, p.Gln177= (NM_001170937.1); c.543A>G (NM_004960.3).
Identifiers: ClinVar variation 1631768 (VCV001631768.9), dbSNP rs865823605, ClinGen allele CA280594639.
Genomic context (GRCh38, chr16:31,184,958, plus strand): 5'-TTTTTGTTTTTTTTTTTTAATCATTCTTTCTTTTCTCACAGGTAACTATGGCCAAGATCA[A>G]TCCTCCATGAGTAGTGGTGGTGGCAGTGGTGGCGGTTATGGCAATCAAGACCAGAGTGGT-3'
Protein context (NP_004951.1, residues 171-191): GGGGGNYGQD[Gln181=]SSMSSGGGSG

ClinVar aggregate classification (germline): Likely benign. Review status: criteria provided, single submitter (1 of 4 stars). 2 submissions from 2 submitters: Likely benign (1). 1 of the submissions does not count toward it. Last evaluated 2025-06-12.

Conditions:
FUS-related disorder. Also called: FUS-related condition.
Amyotrophic lateral sclerosis type 6. Also called: FUS-Related Amyotrophic Laterial Sclerosis; Amyotrophic lateral sclerosis 6, with or without frontotemporal dementia; AMYOTROPHIC LATERAL SCLEROSIS 6 WITHOUT FRONTOTEMPORAL DEMENTIA. Identifiers: Orphanet 275872, Orphanet 803, MedGen C2931786, MONDO:0011951, OMIM 608030.
Tremor, hereditary essential, 4 (ETM4). Identifiers: MedGen C3539195, MONDO:0013888, OMIM 614782.

Allele frequency attached by ClinVar (database versions not stated): gnomAD exomes 0.00002; TOPMed 0.00008; gnomAD 0.00012 and 0.00013.
gnomAD v4.1: 44 of 1,613,576 alleles (0.0027%); highest among the groups gnomAD compares: Middle Eastern, 0.033%; no homozygotes.

Submissions (2):

Labcorp Genetics (formerly Invitae), Labcorp
Classification: Likely benign for Tremor, hereditary essential, 4; Amyotrophic lateral sclerosis type 6. Last evaluated: 2025-06-12. Review status: criteria provided, single submitter. Criteria: Invitae Variant Classification Sherloc (09022015). Collection method: clinical testing. Allele origin: germline.

PreventionGenetics, part of Exact Sciences
Classification: Likely benign for FUS-related condition. Last evaluated: 2024-07-17. Review status: no assertion criteria provided. Collection method: clinical testing. Allele origin: germline. Not counted in ClinVar's aggregate classification.
Comment: This variant is classified as likely benign based on ACMG/AMP sequence variant interpretation guidelines (Richards et al. 2015 PMID: 25741868, with internal and published modifications).